The following is an entry in ClinVar:

NM_007194.4(CHEK2):c.317T>C (p.Leu106Pro)

Gene: CHEK2 (checkpoint kinase 2; minus strand). Cytogenetic location: 22q12.1.
Variant type: single nucleotide variant.
Coding change: c.317T>C on transcript NM_007194.4 (MANE Select); coding-DNA position 317, T replaced by C.
Protein change: p.Leu106Pro; replaces leucine 106 with proline.
Molecular consequence: missense variant.
Genome position (GRCh38, 1-based): chr22:28,734,405, A>G on the plus strand (T>C on the coding strand, the complement: CHEK2 is on the minus strand). VCF-style: chr22-28734405-A-G. GRCh37 (hg19) VCF-style: chr22-29130393-A-G.
Other names: c.317T>C, p.Leu106Pro (NM_001005735.3, NM_001349956.3, NM_145862.3); c.-461T>C (NM_001257387.3); short protein forms L106P.
Identifiers: ClinVar variation 665481 (VCV000665481.13), dbSNP rs1601850987, ClinGen allele CA411090161.
Genomic context (GRCh38, chr22:28,734,405, plus strand): 5'-AACTTTCTGTAAGTGTTTTTCTGAACAAAACGTGATACTATACAACAAAGGGTCTTACCA[A>G]GATTGGCAAATCCATCCTGAAGGGCCCATAATCGAGCCCAGGGGGCAGGGGTAGGCTCCT-3'
Protein context (NP_009125.1, residues 96-116): LWALQDGFAN[Leu106Pro]ECVNDNYWFG

ClinVar aggregate classification (germline): Uncertain significance. Review status: criteria provided, multiple submitters, no conflicts (2 of 4 stars). 2 submissions from 2 submitters: Uncertain significance (2). Last evaluated 2024-12-30.

Conditions:
Hereditary cancer-predisposing syndrome. Also called: Tumor predisposition; Hereditary neoplastic syndrome; Neoplastic Syndromes, Hereditary; Hereditary Cancer Syndrome. Identifiers: Orphanet 140162, MedGen C0027672, MeSH D009386, MONDO:0015356.
Familial cancer of breast. Also called: BREAST CANCER, FAMILIAL; hereditary breast carcinoma; Hereditary breast cancer. Identifiers: Orphanet 227535, MedGen C0346153, MONDO:0016419, OMIM 114480. Disease mechanism: loss of function.

Submissions (2):

Ambry Genetics
Classification: Uncertain significance for Hereditary cancer-predisposing syndrome. Last evaluated: 2024-12-30. Review status: criteria provided, single submitter. Criteria: Ambry Variant Classification Scheme 2023. Collection method: clinical testing. Allele origin: germline.
Comment: The p.L106P variant (also known as c.317T>C), located in coding exon 1 of the CHEK2 gene, results from a T to C substitution at nucleotide position 317. The leucine at codon 106 is replaced by proline, an amino acid with similar properties. This amino acid position is well conserved in available vertebrate species. In addition, the in silico prediction for this alteration is inconclusive. Based on the available evidence, the clinical significance of this variant remains unclear.

Labcorp Genetics (formerly Invitae), Labcorp
Classification: Uncertain significance for Familial cancer of breast. Last evaluated: 2018-10-29. Review status: criteria provided, single submitter. Criteria: Invitae Variant Classification Sherloc (09022015). Collection method: clinical testing. Allele origin: germline.
Comment: In summary, the available evidence is currently insufficient to determine the role of this variant in disease. Therefore, it has been classified as a Variant of Uncertain Significance. Algorithms developed to predict the effect of missense changes on protein structure and function (SIFT, PolyPhen-2, Align-GVGD) all suggest that this variant is likely to be tolerated, but these predictions have not been confirmed by published functional studies and their clinical significance is uncertain. This variant has not been reported in the literature in individuals with CHEK2-related disease. This variant is not present in population databases (ExAC no frequency). This sequence change replaces leucine with proline at codon 106 of the CHEK2 protein (p.Leu106Pro). The leucine residue is moderately conserved and there is a moderate physicochemical difference between leucine and proline.